The following is an entry in ClinVar:

NM_001048166.1(STIL):c.*316T>C

Gene: STIL (STIL centriolar assembly protein; minus strand). Cytogenetic location: 1p33.
Variant type: single nucleotide variant.
Coding change: c.*316T>C on transcript NM_001048166.1 (MANE Select); 316 bases downstream of the stop codon, T replaced by C.
Molecular consequence: 3 prime UTR variant.
Genome position (GRCh38, 1-based): chr1:47,250,820, A>G on the plus strand (T>C on the coding strand, the complement: STIL is on the minus strand). VCF-style: chr1-47250820-A-G. GRCh37 (hg19) VCF-style: chr1-47716492-A-G.
Other names: c.*316T>C (NM_001282936.1, NM_001282937.1, NM_001282938.1 and 2 more transcripts).
Identifiers: ClinVar variation 297548 (VCV000297548.5), dbSNP rs11211488, ClinGen allele CA10610072.

ClinVar aggregate classification (germline): Benign (1 of 4 stars; one submission).

Conditions:
Microcephaly 7, primary, autosomal recessive. Identifiers: Orphanet 2512, MedGen C2675187, MONDO:0012989, OMIM 612703.

Allele frequency attached by ClinVar (database versions not stated): gnomAD exomes 0.01389; gnomAD 0.09438 and 0.10123; 1000 Genomes Project 0.10383; TOPMed 0.10609; 1000 Genomes Project 30x 0.11259.
gnomAD v4.1: 15,513 of 242,694 alleles (6.4%); highest among the groups gnomAD compares: African/African-American, 32%; 2,345 homozygotes.

Submission:

Illumina Laboratory Services, Illumina
Classification: Benign for Microcephaly 7, primary, autosomal recessive. Last evaluated: 2018-01-12. Review status: criteria provided, single submitter. Criteria: ICSL Variant Classification Criteria 13 December 2019. Collection method: clinical testing. Allele origin: germline.
Comment: This variant was observed in the ICSL laboratory as part of a predisposition screen in an ostensibly healthy population. It had not been previously curated by ICSL or reported in the Human Gene Mutation Database (HGMD: prior to June 1st, 2018), and was therefore a candidate for classification through an automated scoring system. Utilizing variant allele frequency, disease prevalence and penetrance estimates, and inheritance mode, an automated score was calculated to assess if this variant is too frequent to cause the disease. Based on the score and internal cut-off values, a variant classified as benign is not then subjected to further curation. The score for this variant resulted in a classification of benign for this disease.